The following is an entry in ClinVar:

NM_001267550.2(TTN):c.106768dup (p.His35590fs)

Genes: TTN (titin; minus strand), TTN-AS1 (TTN antisense RNA 1; plus strand). Cytogenetic location: 2q31.2.
Variant type: Duplication.
Coding change: c.106768dup on transcript NM_001267550.2 (MANE Select); coding-DNA position 106768, one base duplicated (C; older notation c.106768dupC).
Protein change: p.His35590fs; shifts the reading frame from histidine 35590.
Molecular consequence: frameshift variant.
Genome position (GRCh38, 1-based): chr2:178,528,983, G duplicated on the plus strand (C on the coding strand, the reverse complement: TTN is on the minus strand); the first of 2 consecutive G bases (chr2:178,528,983-178,528,984); duplicating either gives the same sequence. VCF-style (leftmost placement, unchanged base first): chr2-178528982-T-TG. GRCh37 (hg19) VCF-style: chr2-179393709-T-TG.
Other names: c.101845dup, p.His33949fs (NM_001256850.1); c.79573dup, p.His26525fs (NM_003319.4); c.99064dup, p.His33022fs (NM_133378.4); c.79948dup, p.His26650fs (NM_133432.3); c.80149dup, p.His26717fs (NM_133437.4); short protein forms H26717fs, H26650fs, H33949fs, H35590fs, H26525fs, H33022fs.
Identifiers: ClinVar variation 852925 (VCV000852925.10), dbSNP rs1687796533, ClinGen allele CA916081319.
Genomic context (GRCh38, chr2:178,528,982, plus strand): 5'-TTAATCTCAGCATGAGTTCTGACTTCTTCTGATGCCTGTGATGTTTTAGTGATTTCCTCA[T>TG]GGACAATGGATTTTTCCAGGGAGGTTGCTGCTGATTTCTTGACTTCTTCAGAAATCAGAA-3'

ClinVar aggregate classification (germline): Likely pathogenic (1 of 4 stars; one submission).

Conditions:
Dilated cardiomyopathy 1G (CMD1G). Identifiers: Orphanet 154, MedGen C1858763, MONDO:0011400, OMIM 604145.
Autosomal recessive limb-girdle muscular dystrophy type 2J (LGMDR10). Also called: MUSCULAR DYSTROPHY, LIMB-GIRDLE, AUTOSOMAL RECESSIVE 10; Limb-girdle muscular dystrophy, type 2J. Identifiers: Orphanet 140922, MedGen C1837342, MONDO:0012127, OMIM 608807.

Submission:

Labcorp Genetics (formerly Invitae), Labcorp
Classification: Likely pathogenic for Dilated cardiomyopathy 1G; Autosomal recessive limb-girdle muscular dystrophy type 2J. Last evaluated: 2022-05-18. Review status: criteria provided, single submitter. Criteria: Invitae Variant Classification Sherloc (09022015). Collection method: clinical testing. Allele origin: germline.
Comment: This variant is not present in population databases (gnomAD no frequency). This premature translational stop signal has been observed in individual(s) with progressive myopathy, arm/leg contractures and cardiomyopathy (Invitae). ClinVar contains an entry for this variant (Variation ID: 852925). This variant is located in the M band of TTN (PMID: 25589632). Truncating variants in this region have been previously reported in individuals affected with autosomal recessive myopathy and muscular dystrophy (PMID: 18948003, 23975875, 24395473), but have not been definitively shown to cause cardiomyopathy (PMID: 25589632). In summary, the currently available evidence indicates that the variant is pathogenic, but additional data are needed to prove that conclusively. Therefore, this variant has been classified as Likely Pathogenic. This sequence change creates a premature translational stop signal (p.His35590Profs*2) in the TTN gene. While this is not anticipated to result in nonsense mediated decay, it is expected to create a truncated TTN protein.

Literature cited by the submitters: PubMed 25589632; PubMed 18948003; PubMed 23975875; PubMed 24395473.